The following is an entry in ClinVar:

NR_003051.4(RMRP):n.262G>A

Gene: RMRP (RNA component of mitochondrial RNA processing endoribonuclease; minus strand). Cytogenetic location: 9p13.3.
Variant type: single nucleotide variant.
Genome position: GRCh38 VCF-style: chr9-35657758-C-T. GRCh37 (hg19) VCF-style: chr9-35657755-C-T.
Identifiers: ClinVar variation 1039823 (VCV001039823.4), dbSNP rs769080777, ClinGen allele CA5045814.

ClinVar aggregate classification (germline): Uncertain significance. Review status: criteria provided, multiple submitters, no conflicts (2 of 4 stars). 3 submissions from 3 submitters: Uncertain significance (2). 1 of the submissions does not count toward it. Last evaluated 2022-08-02.

Conditions:
Anauxetic dysplasia. Identifiers: Orphanet 93347, MedGen C1846796, MONDO:0011773.
Metaphyseal chondrodysplasia, McKusick type (CHH). Also called: Cartilage-Hair Hypoplasia (CHH); Cartilage-hair hypoplasia. Identifiers: Orphanet 175, MedGen C0220748, MONDO:0009595, OMIM 250250.

Allele frequency attached by ClinVar (database versions not stated): TOPMed 0.00006; ExAC 0.00016.
gnomAD v4.1: 32 of 686,660 alleles (0.0047%); highest among the groups gnomAD compares: Non-Finnish European, 0.0072%; no homozygotes.

Submissions (3):

Labcorp Genetics (formerly Invitae), Labcorp
Classification: Uncertain significance for Anauxetic dysplasia. Last evaluated: 2022-08-02. Review status: criteria provided, single submitter. Criteria: Invitae Variant Classification Sherloc (09022015). Collection method: clinical testing. Allele origin: germline.
Comment: This variant occurs in the RMRP gene, which encodes an RNA molecule that does not result in a protein product. This variant is present in population databases (rs769080777, gnomAD 0.009%). This variant has been observed in individual(s) with clinical features of RMRP-related conditions (PMID: 25616543). This variant is also known as g.260G>A. ClinVar contains an entry for this variant (Variation ID: 1039823). Experimental studies and prediction algorithms are not available or were not evaluated, and the functional significance of this variant is currently unknown. In summary, the available evidence is currently insufficient to determine the role of this variant in disease. Therefore, it has been classified as a Variant of Uncertain Significance.

Women's Health and Genetics/Laboratory Corporation of America, LabCorp
Classification: Uncertain significance. Last evaluated: 2022-07-13. Review status: criteria provided, single submitter. Criteria: LabCorp Variant Classification Summary - May 2015. Collection method: clinical testing. Allele origin: germline.
Comment: Variant summary: RMRP n.261G>A alters a nucleotide in the non-coding RNA. The variant allele was found at a frequency of 5.6e-05 in 124812 control chromosomes (gnomAD). The available data on variant occurrences in the general population are insufficient to allow any conclusion about variant significance. To our knowledge, no occurrence of n.261G>A in individuals affected with Cartilage-Hair Hypoplasia and no experimental evidence demonstrating its impact on protein function have been reported. Two clinical diagnostic laboratories have submitted clinical-significance assessments for this variant to ClinVar after 2014 and all classified the variant as uncertain significance. Based on the evidence outlined above, the variant was classified as uncertain significance.

Natera, Inc.
Classification: Uncertain significance for Cartilage-hair hypoplasia. Last evaluated: 2020-05-07. Review status: no assertion criteria provided. Collection method: clinical testing. Allele origin: germline. Not counted in ClinVar's aggregate classification.

Literature cited by the submitters: PubMed 25616543 (cited by Labcorp Genetics (formerly Invitae), Labcorp).